The following is an entry in ClinVar:

NM_182961.4(SYNE1):c.15341T>C (p.Ile5114Thr)

Gene: SYNE1 (spectrin repeat containing nuclear envelope protein 1; minus strand). Cytogenetic location: 6q25.2.
Variant type: single nucleotide variant.
Coding change: c.15341T>C on transcript NM_182961.4 (MANE Select); coding-DNA position 15341, T replaced by C.
Protein change: p.Ile5114Thr; replaces isoleucine 5114 with threonine.
Molecular consequence: missense variant.
Genome position (GRCh38, 1-based): chr6:152,326,055, A>G on the plus strand (T>C on the coding strand, the complement: SYNE1 is on the minus strand). VCF-style: chr6-152326055-A-G. GRCh37 (hg19) VCF-style: chr6-152647190-A-G.
Other names: c.15128T>C, p.Ile5043Thr (NM_033071.5); short protein forms I5114T, I5043T.
Identifiers: ClinVar variation 2089161 (VCV002089161.4), dbSNP rs781723465, ClinGen allele CA4055815.
Genomic context (GRCh38, chr6:152,326,055, plus strand): 5'-GACGAAGTCTTCAACAAAGAAAACTCAGACAATTTCTTTTCTGTATCATTCATCAATTCA[A>G]TAACCTCTTCCCTTGCTTTCTGGTAATCGTGCCATTGAGCTGTGCATCTTGAAAGAGTCC-3'
Protein context (NP_892006.3, residues 5104-5124): HDYQKAREEV[Ile5114Thr]ELMNDTEKKL

ClinVar aggregate classification (germline): Uncertain significance (1 of 4 stars; one submission).

Conditions:
Emery-Dreifuss muscular dystrophy 4, autosomal dominant (EDMD4). Also called: EMERY-DREIFUSS MUSCULAR DYSTROPHY 4 WITH VARIABLE FEATURES. Identifiers: Orphanet 261, MedGen C2751807, MONDO:0013071, OMIM 612998.
Autosomal recessive ataxia, Beauce type. Also called: SYNE1 Deficiency; Spinocerebellar ataxia, autosomal recessive 8; ATAXIA, RECESSIVE, OF BEAUCE; SYNE1-Related Autosomal Recessive Cerebellar Ataxia. Identifiers: Orphanet 88644, MedGen C1853116, MONDO:0012549, OMIM 610743.

Allele frequency attached by ClinVar (database versions not stated): gnomAD exomes below 0.00001; ExAC 0.00001.
gnomAD v4.1: 4 of 1,614,190 alleles (0.00025%); highest among the groups gnomAD compares: Non-Finnish European, 0.00034%; no homozygotes.

Submission:

Labcorp Genetics (formerly Invitae), Labcorp
Classification: Uncertain significance for Emery-Dreifuss muscular dystrophy 4, autosomal dominant; Autosomal recessive ataxia, Beauce type. Last evaluated: 2022-10-04. Review status: criteria provided, single submitter. Criteria: Invitae Variant Classification Sherloc (09022015). Collection method: clinical testing. Allele origin: germline.
Comment: This variant has not been reported in the literature in individuals affected with SYNE1-related conditions. Algorithms developed to predict the effect of missense changes on protein structure and function (SIFT, PolyPhen-2, Align-GVGD) all suggest that this variant is likely to be disruptive. This variant is present in population databases (rs781723465, gnomAD 0.0009%). In summary, the available evidence is currently insufficient to determine the role of this variant in disease. Therefore, it has been classified as a Variant of Uncertain Significance. This sequence change replaces isoleucine, which is neutral and non-polar, with threonine, which is neutral and polar, at codon 5043 of the SYNE1 protein (p.Ile5043Thr).